The following is an entry in ClinVar:

NM_206933.4(USH2A):c.6551C>T (p.Thr2184Ile)

Gene: USH2A (usherin; minus strand). Cytogenetic location: 1q41.
Variant type: single nucleotide variant.
Coding change: c.6551C>T on transcript NM_206933.4 (MANE Select); coding-DNA position 6551, C replaced by T.
Protein change: p.Thr2184Ile; replaces threonine 2184 with isoleucine.
Molecular consequence: missense variant.
Genome position (GRCh38, 1-based): chr1:215,998,993, G>A on the plus strand (C>T on the coding strand, the complement: USH2A is on the minus strand). VCF-style: chr1-215998993-G-A. GRCh37 (hg19) VCF-style: chr1-216172335-G-A.
Other names: short protein forms T2184I.
Identifiers: ClinVar variation 3373215 (VCV003373215.1).

ClinVar aggregate classification (germline): Uncertain significance (1 of 4 stars; one submission).

gnomAD v4.1: 1 of 1,612,650 alleles (0.000062%); highest among the groups gnomAD compares: South Asian, 0.0011%; no homozygotes.

Submission:

GeneDx
Classification: Uncertain significance. Last evaluated: 2024-04-30. Review status: criteria provided, single submitter. Criteria: GeneDx Variant Classification Process June 2021. Collection method: clinical testing. Allele origin: germline. Affected: yes.
Comment: Not observed at significant frequency in large population cohorts (gnomAD); In silico analysis indicates that this missense variant does not alter protein structure/function; Has not been previously published as pathogenic or benign to our knowledge